The following is an entry in ClinVar:

ClinVar aggregate classification (germline): Pathogenic (1 of 4 stars; one submission).

Conditions:
Maple syrup urine disease (MSUD). Identifiers: Orphanet 511, MedGen C0024776, MeSH D008375, MONDO:0009563. Disease mechanism: loss of function.

Submission:

Labcorp Genetics (formerly Invitae), Labcorp
Classification: Pathogenic for Maple syrup urine disease. Last evaluated: 2021-08-31. Review status: criteria provided, single submitter. Criteria: Invitae Variant Classification Sherloc (09022015). Collection method: clinical testing. Allele origin: germline.
Comment: This variant is also known as c.241_242delGT. For these reasons, this variant has been classified as Pathogenic. This premature translational stop signal has been observed in individual(s) with clinical features of maple syrup urine disease (PMID: 32812330). This sequence change creates a premature translational stop signal (p.Val81*) in the DBT gene. It is expected to result in an absent or disrupted protein product. Loss-of-function variants in DBT are known to be pathogenic (PMID: 16579849, 16786533). This variant is not present in population databases (ExAC no frequency).

Literature cited by the submitters: PubMed 32812330; PubMed 16579849; PubMed 16786533.

NM_001918.5(DBT):c.241_242del (p.Thr80_Val81insTer)

Gene: DBT (dihydrolipoamide branched chain transacylase E2; minus strand). Cytogenetic location: 1p21.2.
Variant type: Deletion.
Coding change: c.241_242del on transcript NM_001918.5 (MANE Select); coding-DNA positions 241 to 242, 2 bases deleted (GT; older notation c.241_242delGT).
Protein change: p.Thr80_Val81insTer.
Molecular consequence: nonsense.
Genome position (GRCh38, 1-based): chr1:100,235,445-100,235,446, AC deleted on the plus strand (GT on the coding strand, the reverse complement: DBT is on the minus strand); deleting any 2 consecutive bases within chr1:100,235,445-100,235,447 gives the same sequence; the c. name uses the placement nearest the transcript's 3' end. VCF-style (leftmost placement, unchanged base first): chr1-100235444-AAC-A. GRCh37 (hg19) VCF-style: chr1-100701000-AAC-A.
Identifiers: ClinVar variation 1394661 (VCV001394661.6), dbSNP rs2100834784, ClinGen allele CA2573130512.